The following is an entry in ClinVar:

ClinVar aggregate classification (germline): Conflicting classifications of pathogenicity. Review status: criteria provided, conflicting classifications (1 of 4 stars). 4 submissions from 4 submitters: Uncertain significance (3); Likely benign (1). Last evaluated 2026-08-06.

Conditions:
Hereditary cancer-predisposing syndrome. Also called: Tumor predisposition; Hereditary neoplastic syndrome; Neoplastic Syndromes, Hereditary; Hereditary Cancer Syndrome. Identifiers: Orphanet 140162, MedGen C0027672, MeSH D009386, MONDO:0015356.
Cardiovascular phenotype. Identifiers: MedGen CN230736.
Neurofibromatosis, type 1 (NF1). Also called: VON RECKLINGHAUSEN DISEASE; NEUROFIBROMATOSIS, TYPE I, SOMATIC; Peripheral type neurofibromatosis; Neurofibromatosis, type I. Identifiers: Orphanet 636, MedGen C0027831, MONDO:0018975, OMIM 162200. Disease mechanism: loss of function.

Allele frequency attached by ClinVar (database versions not stated): TOPMed below 0.00001.

Submissions (4):

Ambry Genetics
Classification: Likely benign for Cardiovascular phenotype; Hereditary cancer-predisposing syndrome. Last evaluated: 2026-08-06. Review status: criteria provided, single submitter. Criteria: Ambry Variant Classification Scheme 2023. Collection method: clinical testing. Allele origin: germline.

Labcorp Genetics (formerly Invitae), Labcorp
Classification: Uncertain significance for Neurofibromatosis, type 1. Last evaluated: 2025-11-24. Review status: criteria provided, single submitter. Criteria: Invitae Variant Classification Sherloc (09022015). Collection method: clinical testing. Allele origin: germline.
Comment: This sequence change replaces lysine, which is basic and polar, with arginine, which is basic and polar, at codon 2631 of the NF1 protein (p.Lys2631Arg). This variant is not present in population databases (gnomAD no frequency). This variant has not been reported in the literature in individuals affected with NF1-related conditions. ClinVar contains an entry for this variant (Variation ID: 827314). Invitae Evidence Modeling of protein sequence and biophysical properties (such as structural, functional, and spatial information, amino acid conservation, physicochemical variation, residue mobility, and thermodynamic stability) indicates that this missense variant is not expected to disrupt NF1 protein function with a negative predictive value of 95%. In summary, the available evidence is currently insufficient to determine the role of this variant in disease. Therefore, it has been classified as a Variant of Uncertain Significance.

GeneDx
Classification: Uncertain significance. Last evaluated: 2024-07-29. Review status: criteria provided, single submitter. Criteria: GeneDx Variant Classification Process June 2021. Collection method: clinical testing. Allele origin: germline. Affected: yes.
Comment: Not observed at significant frequency in large population cohorts (gnomAD); In silico analysis indicates that this missense variant does not alter protein structure/function; Has not been previously published as pathogenic or benign to our knowledge; This variant is associated with the following publications: (PMID: 25486365)

Genome-Nilou Lab
Classification: Uncertain significance for Neurofibromatosis, type 1. Last evaluated: 2022-03-15. Review status: criteria provided, single submitter. Criteria: ACMG Guidelines, 2015. Collection method: clinical testing. Allele origin: germline. Affected: no.

NM_001042492.3(NF1):c.7955A>G (p.Lys2652Arg)

Gene: NF1 (neurofibromin 1; plus strand). Cytogenetic location: 17q11.2.
Variant type: single nucleotide variant.
Coding change: c.7955A>G on transcript NM_001042492.3 (MANE Select); coding-DNA position 7955, A replaced by G.
Protein change: p.Lys2652Arg; replaces lysine 2652 with arginine.
Molecular consequence: missense variant.
Genome position (GRCh38, 1-based): chr17:31,357,354, A>G. VCF-style: chr17-31357354-A-G. GRCh37 (hg19) VCF-style: chr17-29684372-A-G.
Other names: c.7892A>G, p.Lys2631Arg (NM_000267.4); short protein forms K2631R, K2652R.
Identifiers: ClinVar variation 827314 (VCV000827314.14), dbSNP rs1597866986, ClinGen allele CA399203536.